The following is an entry in ClinVar:

NM_000159.4(GCDH):c.787A>G (p.Met263Val)

Gene: GCDH (glutaryl-CoA dehydrogenase; plus strand). Cytogenetic location: 19p13.13.
Variant type: single nucleotide variant.
Coding change: c.787A>G on transcript NM_000159.4 (MANE Select); coding-DNA position 787, A replaced by G.
Protein change: p.Met263Val; replaces methionine 263 with valine.
Molecular consequence: missense variant. On other transcripts: non-coding transcript variant (2).
Genome position (GRCh38, 1-based): chr19:12,896,356, A>G. VCF-style: chr19-12896356-A-G. GRCh37 (hg19) VCF-style: chr19-13007170-A-G.
Other names: c.787A>G, p.Met263Val (NM_013976.5); c.787A>G (NM_000159.3); short protein forms M263V.
Identifiers: ClinVar variation 2736817 (VCV002736817.4), dbSNP rs1970680774, ClinGen allele CA404318955.

ClinVar aggregate classification (germline): Likely pathogenic. Review status: criteria provided, multiple submitters, no conflicts (2 of 4 stars). 2 submissions from 2 submitters: Likely pathogenic (2). Last evaluated 2024-11-22.

Conditions:
Glutaric aciduria, type 1. Also called: Glutaric Acidemia Type 1; GA I; Glutaryl-CoA dehydrogenase deficiency; Glutaric acidemia type I; Glutaricaciduria, type I; Glutaricacidemia Type 1. Identifiers: Orphanet 25, MedGen C0268595, MONDO:0009281, OMIM 231670.

Allele frequency attached by ClinVar (database versions not stated): TOPMed 0.00001.

Submissions (2):

Natera, Inc.
Classification: Likely pathogenic for Glutaric acidemia type 1. Last evaluated: 2024-11-22. Review status: criteria provided, single submitter. Criteria: Natera Variant Classification Schema (03/2026). Collection method: clinical testing. Allele origin: germline.
Comment: The c.787A>G variant in GCDH is a missense variant predicted to cause substitution of methionine to valine at amino acid 263. This variant is rare in the general population with a frequency below the threshold expected for the associated phenotype(s). This variant has been observed in one or more individuals affected with the associated recessive disease, as either homozygous or compound heterozygous with a second variant (PMID: 14707522). Functional studies show that this variant may disrupt protein function (PMID: 18775954, 37685964, 37078465). Computational prediction algorithms indicate this variant is likely to affect gene or protein function. Given the available evidence, this variant is classified as Likely Pathogenic.

Labcorp Genetics (formerly Invitae), Labcorp
Classification: Likely pathogenic for Glutaric aciduria, type 1. Last evaluated: 2023-08-01. Review status: criteria provided, single submitter. Criteria: Invitae Variant Classification Sherloc (09022015). Collection method: clinical testing. Allele origin: germline.
Comment: This sequence change replaces methionine, which is neutral and non-polar, with valine, which is neutral and non-polar, at codon 263 of the GCDH protein (p.Met263Val). This variant is not present in population databases (gnomAD no frequency). This missense change has been observed in individual(s) with glutaric aciduria type 1 (PMID: 14707522). Advanced modeling of protein sequence and biophysical properties (such as structural, functional, and spatial information, amino acid conservation, physicochemical variation, residue mobility, and thermodynamic stability) performed at Invitae indicates that this missense variant is not expected to disrupt GCDH protein function. Experimental studies have shown that this missense change affects GCDH function (PMID: 18775954, 28062662). In summary, the currently available evidence indicates that the variant is pathogenic, but additional data are needed to prove that conclusively. Therefore, this variant has been classified as Likely Pathogenic.

Literature cited by the submitters: PubMed 14707522 (cited by Natera, Inc. and Labcorp Genetics (formerly Invitae), Labcorp); PubMed 18775954 (cited by Natera, Inc. and Labcorp Genetics (formerly Invitae), Labcorp); PubMed 37685964 (cited by Natera, Inc.); PubMed 37078465 (cited by Natera, Inc.); PubMed 28062662 (cited by Labcorp Genetics (formerly Invitae), Labcorp).